The following is an entry in ClinVar:

ClinVar aggregate classification (germline): Uncertain significance (1 of 4 stars; one submission).

Conditions:
Rafiq syndrome (RAFQS). Identifiers: Orphanet 88616, MedGen C3280127, MONDO:0013624, OMIM 614202.

Allele frequency attached by ClinVar (database versions not stated): ExAC 0.00001.

Submission:

Labcorp Genetics (formerly Invitae), Labcorp
Classification: Uncertain significance for Rafiq syndrome. Last evaluated: 2022-09-08. Review status: criteria provided, single submitter. Criteria: Invitae Variant Classification Sherloc (09022015). Collection method: clinical testing. Allele origin: germline.
Comment: In summary, the available evidence is currently insufficient to determine the role of this variant in disease. Therefore, it has been classified as a Variant of Uncertain Significance. Algorithms developed to predict the effect of missense changes on protein structure and function output the following: SIFT: "Deleterious"; PolyPhen-2: "Probably Damaging"; Align-GVGD: "Class C0". The tryptophan amino acid residue is found in multiple mammalian species, which suggests that this missense change does not adversely affect protein function. This variant has not been reported in the literature in individuals affected with MAN1B1-related conditions. This variant is present in population databases (rs759388460, gnomAD 0.006%). This sequence change replaces arginine, which is basic and polar, with tryptophan, which is neutral and slightly polar, at codon 163 of the MAN1B1 protein (p.Arg163Trp).

NM_016219.5(MAN1B1):c.487C>T (p.Arg163Trp)

Gene: MAN1B1 (mannosidase alpha class 1B member 1; plus strand). Cytogenetic location: 9q34.3.
Variant type: single nucleotide variant.
Coding change: c.487C>T on transcript NM_016219.5 (MANE Select); coding-DNA position 487, C replaced by T.
Protein change: p.Arg163Trp; replaces arginine 163 with tryptophan.
Molecular consequence: missense variant. On other transcripts: non-coding transcript variant (2).
Genome position (GRCh38, 1-based): chr9:137,096,258, C>T. VCF-style: chr9-137096258-C-T. GRCh37 (hg19) VCF-style: chr9-139990710-C-T.
Other names: c.379C>T, p.Arg127Trp (NM_007230.1); short protein forms R163W, R127W.
Identifiers: ClinVar variation 1986701 (VCV001986701.4), dbSNP rs759388460, ClinGen allele CA5358670.